The following is an entry in ClinVar:

NM_005751.5(AKAP9):c.11452G>T (p.Gly3818Cys)

Gene: AKAP9 (A-kinase anchoring protein 9; plus strand). Cytogenetic location: 7q21.2.
Variant type: single nucleotide variant.
Coding change: c.11452G>T on transcript NM_005751.5 (MANE Select); coding-DNA position 11452, G replaced by T.
Protein change: p.Gly3818Cys; replaces glycine 3818 with cysteine.
Molecular consequence: missense variant.
Genome position (GRCh38, 1-based): chr7:92,107,328, G>T. VCF-style: chr7-92107328-G-T. GRCh37 (hg19) VCF-style: chr7-91736642-G-T.
Other names: c.6097G>T, p.Gly2033Cys (NM_001379277.1); c.11428G>T, p.Gly3810Cys (NM_147185.3); short protein forms G3818C, G3810C, G2033C.
Identifiers: ClinVar variation 568721 (VCV000568721.8), dbSNP rs1563161103, ClinGen allele CA368164227.

ClinVar aggregate classification (germline): Uncertain significance (1 of 4 stars; one submission).

Conditions:
Long QT syndrome (LQTS). Identifiers: MedGen C0023976, MeSH D008133, MONDO:0002442. Disease mechanism: loss of function. Inheritance: Various modes of inheritance.

Submission:

Labcorp Genetics (formerly Invitae), Labcorp
Classification: Uncertain significance for Long QT syndrome. Last evaluated: 2022-08-15. Review status: criteria provided, single submitter. Criteria: Invitae Variant Classification Sherloc (09022015). Collection method: clinical testing. Allele origin: germline.
Comment: In summary, the available evidence is currently insufficient to determine the role of this variant in disease. Therefore, it has been classified as a Variant of Uncertain Significance. Algorithms developed to predict the effect of missense changes on protein structure and function are either unavailable or do not agree on the potential impact of this missense change (SIFT: "Deleterious"; PolyPhen-2: "Benign"; Align-GVGD: "Class C15"). This sequence change replaces glycine, which is neutral and non-polar, with cysteine, which is neutral and slightly polar, at codon 3818 of the AKAP9 protein (p.Gly3818Cys). This variant is not present in population databases (gnomAD no frequency). This variant has not been reported in the literature in individuals affected with AKAP9-related conditions. ClinVar contains an entry for this variant (Variation ID: 568721).